The following is an entry in ClinVar:

ClinVar aggregate classification (germline): Uncertain significance (1 of 4 stars; one submission).

Submission:

Athena Diagnostics
Classification: Uncertain significance. Last evaluated: 2023-09-26. Review status: criteria provided, single submitter. Criteria: Athena Diagnostics Criteria. Collection method: clinical testing. Allele origin: unknown.
Comment: Available data are insufficient to determine the clinical significance of the variant at this time. This variant has not been reported in large, multi-ethnic general populations. Computational tools yielded predictions that this variant is unlikely to have an effect on normal RNA splicing.

NM_001365536.1(SCN9A):c.5856C>T (p.Thr1952=)

Genes: SCN1A-AS1 (SCN1A and SCN9A antisense RNA 1; plus strand), SCN9A (sodium voltage-gated channel alpha subunit 9; minus strand). Cytogenetic location: 2q24.3.
Variant type: single nucleotide variant.
Coding change: c.5856C>T on transcript NM_001365536.1 (MANE Select); coding-DNA position 5856, C replaced by T.
Protein change: p.Thr1952=; no amino-acid change (threonine 1952 retained).
Molecular consequence: synonymous variant.
Genome position (GRCh38, 1-based): chr2:166,198,783, G>A on the plus strand (C>T on the coding strand, the complement: SCN9A is on the minus strand). VCF-style: chr2-166198783-G-A. GRCh37 (hg19) VCF-style: chr2-167055293-G-A.
Other names: c.5823C>T, p.Thr1941= (NM_002977.4).
Identifiers: ClinVar variation 3571626 (VCV003571626.1).